The following is an entry in ClinVar:

ClinVar aggregate classification (germline): Conflicting classifications of pathogenicity. Review status: criteria provided, conflicting classifications (1 of 4 stars). 2 submissions from 2 submitters: Uncertain significance (1); Likely benign (1). Last evaluated 2025-05-19.

Conditions:
Inborn genetic diseases. Identifiers: MedGen C0950123, MeSH D030342.
Familial infantile myasthenia (CMS6). Also called: Congenital myasthenic syndrome type 6; MYASTHENIC SYNDROME, PRESYNAPTIC, CONGENITAL, ASSOCIATED WITH EPISODIC APNEA; MYASTHENIC SYNDROME, CONGENITAL, 6, PRESYNAPTIC. Identifiers: Orphanet 590, MedGen C0393929, MONDO:0009689, OMIM 254210.

Allele frequency attached by ClinVar (database versions not stated): gnomAD 0.00001; gnomAD exomes 0.00002 and 0.00003; TOPMed 0.00002; ExAC 0.00003; 1000 Genomes Project 0.00020; 1000 Genomes Project 30x 0.00031.

Submissions (2):

Ambry Genetics
Classification: Likely benign for Inborn genetic diseases. Last evaluated: 2025-05-19. Review status: criteria provided, single submitter. Criteria: Ambry Variant Classification Scheme 2023. Collection method: clinical testing. Allele origin: germline.

Labcorp Genetics (formerly Invitae), Labcorp
Classification: Uncertain significance for Familial infantile myasthenia. Last evaluated: 2022-10-04. Review status: criteria provided, single submitter. Criteria: Invitae Variant Classification Sherloc (09022015). Collection method: clinical testing. Allele origin: germline.
Comment: This sequence change replaces valine, which is neutral and non-polar, with methionine, which is neutral and non-polar, at codon 584 of the CHAT protein (p.Val584Met). This variant is present in population databases (rs547073881, gnomAD 0.01%). This variant has not been reported in the literature in individuals affected with CHAT-related conditions. ClinVar contains an entry for this variant (Variation ID: 1038322). Advanced modeling of protein sequence and biophysical properties (such as structural, functional, and spatial information, amino acid conservation, physicochemical variation, residue mobility, and thermodynamic stability) performed at Invitae indicates that this missense variant is not expected to disrupt CHAT protein function. In summary, the available evidence is currently insufficient to determine the role of this variant in disease. Therefore, it has been classified as a Variant of Uncertain Significance.

NM_020549.5(CHAT):c.1750G>A (p.Val584Met)

Gene: CHAT (choline O-acetyltransferase; plus strand). Cytogenetic location: 10q11.23.
Variant type: single nucleotide variant.
Coding change: c.1750G>A on transcript NM_020549.5 (MANE Select); coding-DNA position 1750, G replaced by A.
Protein change: p.Val584Met; replaces valine 584 with methionine.
Molecular consequence: missense variant.
Genome position (GRCh38, 1-based): chr10:49,655,210, G>A. VCF-style: chr10-49655210-G-A. GRCh37 (hg19) VCF-style: chr10-50863256-G-A.
Other names: c.1396G>A, p.Val466Met (NM_001142929.2, NM_001142934.2, NM_020984.4 and 2 more transcripts); c.1504G>A, p.Val502Met (NM_001142933.2); c.1750G>A (NM_020549.4); short protein forms V466M, V502M, V584M.
Identifiers: ClinVar variation 1038322 (VCV001038322.5), dbSNP rs547073881, ClinGen allele CA5497607.